The following is an entry in ClinVar:

ClinVar aggregate classification (germline): Likely benign (1 of 4 stars; one submission).

gnomAD v4.1: 76 of 1,612,764 alleles (0.0047%); highest among the groups gnomAD compares: Middle Eastern, 0.016%; no homozygotes.

Submission:

Mayo Clinic Laboratories, Mayo Clinic
Classification: Likely benign. Last evaluated: 2025-11-05. Review status: criteria provided, single submitter. Criteria: ACMG Guidelines, 2015. Collection method: clinical testing. Allele origin: germline. Observed: 1 variant allele.
Comment: BP4, BP7

NM_007098.4(CLTCL1):c.378G>A (p.Ala126=)

Gene: CLTCL1 (clathrin heavy chain like 1; minus strand). Cytogenetic location: 22q11.21.
Variant type: single nucleotide variant.
Coding change: c.378G>A on transcript NM_007098.4 (MANE Select); coding-DNA position 378, G replaced by A.
Protein change: p.Ala126=; no amino-acid change (alanine 126 retained).
Molecular consequence: synonymous variant.
Genome position (GRCh38, 1-based): chr22:19,254,100, C>T on the plus strand (G>A on the coding strand, the complement: CLTCL1 is on the minus strand). VCF-style: chr22-19254100-C-T. GRCh37 (hg19) VCF-style: chr22-19241623-C-T.
Other names: p.Ala126=; c.378G>A, p.Ala126= (NM_001835.4).
Identifiers: ClinVar variation 4684464 (VCV004684464.1).